The following is an entry in ClinVar:

ClinVar aggregate classification (germline): Pathogenic. Review status: criteria provided, multiple submitters, no conflicts (2 of 4 stars). 5 submissions from 5 submitters: Pathogenic (5). Last evaluated 2025-09-09.

Conditions:
Neuromuscular disease caused by qualitative or quantitative defects of dysferlin. Also called: Qualitative or quantitative defects of dysferlin; Dysferlinopathy. Identifiers: Orphanet 207073, MedGen C2931687, MONDO:0016145.
DYSF-related disorder. Also called: DYSF-related disorders; DYSF-related condition.
Miyoshi muscular dystrophy 1 (MMD1). Identifiers: Orphanet 45448, MedGen C4551973, MONDO:0024545, OMIM 254130.
Autosomal recessive limb-girdle muscular dystrophy type 2B (LGMDR2). Also called: Limb-Girdle Muscular Dystrophy Type 2B (LGMD2B); MUSCULAR DYSTROPHY, LIMB-GIRDLE, AUTOSOMAL RECESSIVE 2; MUSCULAR DYSTROPHY, LIMB-GIRDLE, TYPE 3; Limb-girdle muscular dystrophy, type 2B. Identifiers: Orphanet 268, MedGen C1850889, MONDO:0009676, OMIM 253601.

Allele frequency attached by ClinVar (database versions not stated): gnomAD exomes below 0.00001; TOPMed 0.00002.
gnomAD v4.1: 2 of 1,613,832 alleles (0.00012%); highest among the groups gnomAD compares: Non-Finnish European, 0.000085%; no homozygotes.

Submissions (5):

Athena Diagnostics
Classification: Pathogenic. Last evaluated: 2025-09-09. Review status: criteria provided, single submitter. Criteria: Athena Diagnostics Criteria. Collection method: clinical testing. Allele origin: unknown.
Comment: This variant is expected to result in the loss of a functional protein. The frequency of this variant in the general population is consistent with pathogenicity. This variant has been identified in at least one individual with autosomal recessive limb-girdle muscular dystrophy.

Natera, Inc.
Classification: Pathogenic for Limb-girdle muscular dystrophy type 2B. Last evaluated: 2024-11-01. Review status: criteria provided, single submitter. Criteria: Natera Variant Classification Schema (03/2026). Collection method: clinical testing. Allele origin: germline.
Comment: The c.4194C>A variant in DYSF is a nonsense variant predicted to introduce a stop codon at amino acid 1398. This variant is expected to result in nonsense mediated decay, truncation, or a dysfunctional protein product. This variant is rare in the general population with a frequency below the threshold expected for the associated phenotype(s). This variant has been observed in one or more individuals affected with the associated recessive disease, as either homozygous or compound heterozygous with a second variant (PMID: 17994539). Given the available evidence, this variant is classified as Pathogenic.

Baylor Genetics
Classification: Pathogenic for Miyoshi muscular dystrophy 1. Last evaluated: 2024-02-15. Review status: criteria provided, single submitter. Criteria: ACMG Guidelines, 2015. Collection method: clinical testing. Allele origin: unknown.

Labcorp Genetics (formerly Invitae), Labcorp
Classification: Pathogenic for Neuromuscular disease caused by qualitative or quantitative defects of dysferlin. Last evaluated: 2023-07-09. Review status: criteria provided, single submitter. Criteria: Invitae Variant Classification Sherloc (09022015). Collection method: clinical testing. Allele origin: germline.
Comment: This sequence change creates a premature translational stop signal (p.Cys1398*) in the DYSF gene. It is expected to result in an absent or disrupted protein product. Loss-of-function variants in DYSF are known to be pathogenic (PMID: 17698709, 20301480). This variant is present in population databases (no rsID available, gnomAD 0.0009%). This premature translational stop signal has been observed in individual(s) with DYSF-related conditions (PMID: 16100712). ClinVar contains an entry for this variant (Variation ID: 841556). Algorithms developed to predict the effect of sequence changes on RNA splicing suggest that this variant may create or strengthen a splice site. For these reasons, this variant has been classified as Pathogenic.

Blueprint Genetics
Classification: Pathogenic for DYSF-related disorders. Last evaluated: 2020-03-26. Review status: criteria provided, single submitter. Criteria: ACMG Guidelines, 2015. Collection method: clinical testing. Allele origin: germline. Affected: yes. Observed: 1 variant allele.

Literature cited by the submitters: PubMed 16100712 (cited by Athena Diagnostics and Labcorp Genetics (formerly Invitae), Labcorp); PubMed 17994539 (cited by Athena Diagnostics and Natera, Inc.); PubMed 34559919 (cited by Athena Diagnostics); PubMed 21522182 (cited by Athena Diagnostics); PubMed 17698709 (cited by Labcorp Genetics (formerly Invitae), Labcorp); PubMed 20301480 (cited by Labcorp Genetics (formerly Invitae), Labcorp).

NM_001130987.2(DYSF):c.4248C>A (p.Cys1416Ter)

Gene: DYSF (dysferlin; plus strand). Cytogenetic location: 2p13.2.
Variant type: single nucleotide variant.
Coding change: c.4248C>A on transcript NM_001130987.2 (MANE Select); coding-DNA position 4248, C replaced by A.
Protein change: p.Cys1416Ter; replaces cysteine 1416 with a stop codon.
Molecular consequence: nonsense.
Genome position (GRCh38, 1-based): chr2:71,612,667, C>A. VCF-style: chr2-71612667-C-A. GRCh37 (hg19) VCF-style: chr2-71839797-C-A.
Other names: c.4197C>A, p.Cys1399Ter (NM_001130455.2, NM_001130983.2); c.4152C>A, p.Cys1384Ter (NM_001130976.2, NM_001130977.2); c.4194C>A, p.Cys1398Ter (NM_001130978.2, NM_003494.4); c.4287C>A, p.Cys1429Ter (NM_001130979.2); c.4245C>A, p.Cys1415Ter (NM_001130980.2, NM_001130981.2); c.4290C>A, p.Cys1430Ter (NM_001130982.2); c.4155C>A, p.Cys1385Ter (NM_001130984.2, NM_001130986.2); c.4248C>A, p.Cys1416Ter (NM_001130985.2); short protein forms C1399*, C1385*, C1416*, C1415*, C1429*, C1384*, C1398*, C1430*.
Identifiers: ClinVar variation 841556 (VCV000841556.15), dbSNP rs971134497, ClinGen allele CA49779889.